The following is an entry in ClinVar:

ClinVar aggregate classification (germline): Conflicting classifications of pathogenicity. Review status: criteria provided, conflicting classifications (1 of 4 stars). 2 submissions from 2 submitters: Uncertain significance (1); Likely benign (1). Last evaluated 2025-02-18.

Conditions:
Inborn genetic diseases. Identifiers: MedGen C0950123, MeSH D030342.

gnomAD v4.1: 54 of 1,614,072 alleles (0.0033%); highest among the groups gnomAD compares: African/African-American, 0.069%; no homozygotes.

Submissions (2):

Dasa
Classification: Uncertain significance. Last evaluated: 2025-02-18. Review status: criteria provided, single submitter. Criteria: DASA Assertion Criteria. Collection method: clinical testing. Allele origin: germline.
Comment: NM_000827.4(GRIA1):c.800T>C (p.Met267Thr) is a missense variant that results in the substitution of methionine with threonine. This variant is rare in population databases. The currently available literature and clinical evidence are not sufficient to establish a definitive association between this variant and the reported condition. Therefore, this variant is classified as a variant of uncertain significance.

Ambry Genetics
Classification: Likely benign for Inborn genetic diseases. Last evaluated: 2024-07-31. Review status: criteria provided, single submitter. Criteria: Ambry Variant Classification Scheme 2023. Collection method: clinical testing. Allele origin: germline.

NM_000827.4(GRIA1):c.800T>C (p.Met267Thr)

Gene: GRIA1 (glutamate ionotropic receptor AMPA type subunit 1; plus strand). Cytogenetic location: 5q33.2.
Variant type: single nucleotide variant.
Coding change: c.800T>C on transcript NM_000827.4 (MANE Select); coding-DNA position 800, T replaced by C.
Protein change: p.Met267Thr; replaces methionine 267 with threonine.
Molecular consequence: missense variant. On other transcripts: non-coding transcript variant (2).
Genome position (GRCh38, 1-based): chr5:153,674,600, T>C. VCF-style: chr5-153674600-T-C. GRCh37 (hg19) VCF-style: chr5-153054160-T-C.
Other names: c.800T>C, p.Met267Thr (NM_001114183.2, NM_001364165.2); c.560T>C, p.Met187Thr (NM_001258019.2); c.515T>C, p.Met172Thr (NM_001258020.2); c.830T>C, p.Met277Thr (NM_001258021.2, NM_001258022.2); c.593T>C, p.Met198Thr (NM_001258023.1, NM_001364167.2); c.827T>C, p.Met276Thr (NM_001364166.2); short protein forms M276T, M277T, M198T, M187T, M172T, M267T.
Identifiers: ClinVar variation 3522558 (VCV003522558.3).